The following is an entry in ClinVar:

NM_004415.4(DSP):c.7615G>A (p.Val2539Ile)

Gene: DSP (desmoplakin; plus strand). Cytogenetic location: 6p24.3.
Variant type: single nucleotide variant.
Coding change: c.7615G>A on transcript NM_004415.4 (MANE Select); coding-DNA position 7615, G replaced by A.
Protein change: p.Val2539Ile; replaces valine 2539 with isoleucine.
Molecular consequence: missense variant.
Genome position (GRCh38, 1-based): chr6:7,584,877, G>A. VCF-style: chr6-7584877-G-A. GRCh37 (hg19) VCF-style: chr6-7585110-G-A.
Other names: c.5818G>A, p.Val1940Ile (NM_001008844.3); c.6286G>A, p.Val2096Ile (NM_001319034.2); c.7615G>A (NM_004415.3); short protein forms V1940I, V2096I, V2539I.
Identifiers: ClinVar variation 3749491 (VCV003749491.3).

ClinVar aggregate classification (germline): Conflicting classifications of pathogenicity. Review status: criteria provided, conflicting classifications (1 of 4 stars). 2 submissions from 2 submitters: Uncertain significance (1); Likely benign (1). Last evaluated 2026-03-04.

Conditions:
DSP-related disorder. Also called: DSP-related condition; DSP-related disorders.
Arrhythmogenic cardiomyopathy with wooly hair and keratoderma. Also called: Dilated cardiomyopathy with woolly hair and keratoderma; Arrhythmogenic cardiomyopathy with woolly hair and keratoderma; PALMOPLANTAR KERATODERMA WITH LEFT VENTRICULAR CARDIOMYOPATHY AND WOOLLY HAIR; Carvajal syndrome. Identifiers: Orphanet 65282, MedGen C1854063, MONDO:0011581, OMIM 605676.
Arrhythmogenic right ventricular dysplasia 8 (ARVD8). Also called: Arrhythmogenic Right Ventricular Dysplasia/Cardiomyopathy 8; ARRHYTHMOGENIC RIGHT VENTRICULAR DYSPLASIA, FAMILIAL, 8; ARRHYTHMOGENIC RIGHT VENTRICULAR CARDIOMYOPATHY 8. Identifiers: MedGen C1843896, MONDO:0011831, OMIM 607450.

gnomAD v4.1: 2 of 1,614,124 alleles (0.00012%); highest among the groups gnomAD compares: African/African-American, 0.0027%; no homozygotes.

Submissions (2):

PreventionGenetics, part of Exact Sciences
Classification: Uncertain significance for DSP-related condition. Last evaluated: 2026-03-04. Review status: criteria provided, single submitter. Criteria: ACMG Guidelines, 2015. Collection method: clinical testing. Allele origin: germline.
Comment: The DSP c.7615G>A variant is predicted to result in the amino acid substitution p.Val2539Ile. To our knowledge, this variant has not been reported in the literature. This variant is reported in 0.0080% of alleles in individuals of African descent in gnomAD. At this time, the clinical significance of this variant is uncertain due to the absence of conclusive functional and genetic evidence.

Labcorp Genetics (formerly Invitae), Labcorp
Classification: Likely benign for Arrhythmogenic cardiomyopathy with wooly hair and keratoderma; Arrhythmogenic right ventricular dysplasia 8. Last evaluated: 2024-11-26. Review status: criteria provided, single submitter. Criteria: Invitae Variant Classification Sherloc (09022015). Collection method: clinical testing. Allele origin: germline.